The following is an entry in ClinVar:

NM_005475.3(SH2B3):c.860T>G (p.Phe287Cys)

Gene: SH2B3 (SH2B adaptor protein 3; plus strand). Cytogenetic location: 12q24.12.
Variant type: single nucleotide variant.
Coding change: c.860T>G on transcript NM_005475.3 (MANE Select); coding-DNA position 860, T replaced by G.
Protein change: p.Phe287Cys; replaces phenylalanine 287 with cysteine.
Molecular consequence: missense variant.
Genome position (GRCh38, 1-based): chr12:111,446,967, T>G. VCF-style: chr12-111446967-T-G. GRCh37 (hg19) VCF-style: chr12-111884771-T-G.
Other names: c.254T>G, p.Phe85Cys (NM_001291424.1); short protein forms F85C, F287C.
Identifiers: ClinVar variation 3795116 (VCV003795116.1).

ClinVar aggregate classification (germline): Uncertain significance (1 of 4 stars; one submission).

Conditions:
Inborn genetic diseases. Identifiers: MedGen C0950123, MeSH D030342.

Submission:

Ambry Genetics
Classification: Uncertain significance for Inborn genetic diseases. Last evaluated: 2025-01-17. Review status: criteria provided, single submitter. Criteria: Ambry Variant Classification Scheme 2023. Collection method: clinical testing. Allele origin: germline.
Comment: The p.F287C variant (also known as c.860T>G), located in coding exon 3 of the SH2B3 gene, results from a T to G substitution at nucleotide position 860. The phenylalanine at codon 287 is replaced by cysteine, an amino acid with highly dissimilar properties. This amino acid position is conserved. In addition, the in silico prediction for this alteration is inconclusive. Based on the available evidence, the clinical significance of this variant remains unclear.